The following is an entry in ClinVar:

NM_022787.4(NMNAT1):c.120G>T (p.Arg40Ser)

Gene: NMNAT1 (nicotinamide nucleotide adenylyltransferase 1; plus strand). Cytogenetic location: 1p36.22.
Variant type: single nucleotide variant.
Coding change: c.120G>T on transcript NM_022787.4 (MANE Select); coding-DNA position 120, G replaced by T.
Protein change: p.Arg40Ser; replaces arginine 40 with serine.
Molecular consequence: missense variant.
Genome position (GRCh38, 1-based): chr1:9,975,596, G>T. VCF-style: chr1-9975596-G-T. GRCh37 (hg19) VCF-style: chr1-10035654-G-T.
Other names: c.120G>T, p.Arg40Ser (NM_001297778.1, NM_001297779.2); short protein forms R40S.
Identifiers: ClinVar variation 2704795 (VCV002704795.3), dbSNP rs2522246120, ClinGen allele CA338684141.
Genomic context (GRCh38, chr1:9,975,596, plus strand): 5'-CCTGTGCATAAAGTCTAATTTGTTATACCTAGTGTGAAACCTAACTTTTTATCTAGGAAG[G>T]TACACAGTTGTCAAAGGCATCATCTCTCCTGTTGGTGATGCCTACAAGAAGAAAGGACTC-3'
Protein context (NP_073624.2, residues 30-50): LAKDYMNGTG[Arg40Ser]YTVVKGIISP

ClinVar aggregate classification (germline): Uncertain significance (1 of 4 stars; one submission).

Conditions:
Leber congenital amaurosis 9 (LCA9). Also called: LCA9 Leber Congenital Amaurosis; LCA 9; Amaurosis congenita of Leber, type 9. Identifiers: Orphanet 65, MedGen C1837873, MONDO:0012056, OMIM 608553.

gnomAD v4.1: 1 of 1,609,412 alleles (0.000062%); highest among the groups gnomAD compares: Non-Finnish European, 0.000085%; no homozygotes.

Submission:

Labcorp Genetics (formerly Invitae), Labcorp
Classification: Uncertain significance for Leber congenital amaurosis 9. Last evaluated: 2023-12-22. Review status: criteria provided, single submitter. Criteria: Invitae Variant Classification Sherloc (09022015). Collection method: clinical testing. Allele origin: germline.
Comment: This sequence change replaces arginine, which is basic and polar, with serine, which is neutral and polar, at codon 40 of the NMNAT1 protein (p.Arg40Ser). This variant is not present in population databases (gnomAD no frequency). This variant has not been reported in the literature in individuals affected with NMNAT1-related conditions. Advanced modeling of protein sequence and biophysical properties (such as structural, functional, and spatial information, amino acid conservation, physicochemical variation, residue mobility, and thermodynamic stability) performed at Invitae indicates that this missense variant is not expected to disrupt NMNAT1 protein function with a negative predictive value of 80%. In summary, the available evidence is currently insufficient to determine the role of this variant in disease. Therefore, it has been classified as a Variant of Uncertain Significance.